The following is an entry in ClinVar:

NM_000018.4(ACADVL):c.1340G>A (p.Gly447Glu)

Gene: ACADVL (acyl-CoA dehydrogenase very long chain; plus strand). Cytogenetic location: 17p13.1.
Variant type: single nucleotide variant.
Coding change: c.1340G>A on transcript NM_000018.4 (MANE Select); coding-DNA position 1340, G replaced by A.
Protein change: p.Gly447Glu; replaces glycine 447 with glutamic acid.
Molecular consequence: missense variant.
Genome position (GRCh38, 1-based): chr17:7,223,975, G>A. VCF-style: chr17-7223975-G-A. GRCh37 (hg19) VCF-style: chr17-7127294-G-A.
Other names: c.1274G>A, p.Gly425Glu (NM_001033859.3); c.1409G>A, p.Gly470Glu (NM_001270447.2); c.1112G>A, p.Gly371Glu (NM_001270448.2); short protein forms G447E, G371E, G470E, G425E.
Identifiers: ClinVar variation 474884 (VCV000474884.8), dbSNP rs1555528779, ClinGen allele CA397724917.

ClinVar aggregate classification (germline): Uncertain significance (1 of 4 stars; one submission).

Conditions:
Very long chain acyl-CoA dehydrogenase deficiency (ACADVLD). Also called: VLCAD Deficiency; Very Long-Chain Acyl-Coenzyme A Dehydrogenase Deficiency. Identifiers: Orphanet 26793, MedGen C3887523, MONDO:0008723, OMIM 201475.

Allele frequency attached by ClinVar (database versions not stated): gnomAD exomes below 0.00001.
gnomAD v4.1: 1 of 1,613,826 alleles (0.000062%); highest among the groups gnomAD compares: Admixed American, 0.0017%; no homozygotes.

Submission:

Labcorp Genetics (formerly Invitae), Labcorp
Classification: Uncertain significance for Very long chain acyl-CoA dehydrogenase deficiency. Last evaluated: 2017-06-22. Review status: criteria provided, single submitter. Criteria: Invitae Variant Classification Sherloc (09022015). Collection method: clinical testing. Allele origin: germline.
Comment: This variant is not present in population databases (ExAC no frequency). This sequence change replaces glycine with glutamic acid at codon 447 of the ACADVL protein (p.Gly447Glu). The glycine residue is highly conserved and there is a moderate physicochemical difference between glycine and glutamic acid. This variant has not been reported in the literature in individuals with ACADVL-related disease. Algorithms developed to predict the effect of missense changes on protein structure and function (SIFT, PolyPhen-2, Align-GVGD) all suggest that this variant is likely to be disruptive, but these predictions have not been confirmed by published functional studies and their clinical significance is uncertain. In summary, the available evidence is currently insufficient to determine the role of this variant in disease. Therefore, it has been classified as a Variant of Uncertain Significance.